The following is an entry in ClinVar:

NM_001844.5(COL2A1):c.4325C>T (p.Thr1442Ile)

Gene: COL2A1 (collagen type II alpha 1 chain; minus strand). Cytogenetic location: 12q13.11.
Variant type: single nucleotide variant.
Coding change: c.4325C>T on transcript NM_001844.5 (MANE Select); coding-DNA position 4325, C replaced by T.
Protein change: p.Thr1442Ile; replaces threonine 1442 with isoleucine.
Molecular consequence: missense variant.
Genome position (GRCh38, 1-based): chr12:47,973,546, G>A on the plus strand (C>T on the coding strand, the complement: COL2A1 is on the minus strand). VCF-style: chr12-47973546-G-A. GRCh37 (hg19) VCF-style: chr12-48367329-G-A.
Other names: c.4118C>T, p.Thr1373Ile (NM_033150.3); short protein forms T1373I, T1442I.
Identifiers: ClinVar variation 3645611 (VCV003645611.3).

ClinVar aggregate classification (germline): Uncertain significance. Review status: criteria provided, multiple submitters, no conflicts (2 of 4 stars). 2 submissions from 2 submitters: Uncertain significance (2). Last evaluated 2024-03-18.

gnomAD v4.1: 3 of 1,614,036 alleles (0.00019%); highest among the groups gnomAD compares: South Asian, 0.0011%; no homozygotes.

Submissions (2):

Labcorp Genetics (formerly Invitae), Labcorp
Classification: Uncertain significance. Last evaluated: 2024-03-18. Review status: criteria provided, single submitter. Criteria: Invitae Variant Classification Sherloc (09022015). Collection method: clinical testing. Allele origin: germline.
Comment: This sequence change replaces threonine, which is neutral and polar, with isoleucine, which is neutral and non-polar, at codon 1442 of the COL2A1 protein (p.Thr1442Ile). This variant is present in population databases (rs750624540, gnomAD 0.003%). This variant has not been reported in the literature in individuals affected with COL2A1-related conditions. Advanced modeling of protein sequence and biophysical properties (such as structural, functional, and spatial information, amino acid conservation, physicochemical variation, residue mobility, and thermodynamic stability) has been performed at Invitae for this missense variant, however the output from this modeling did not meet the statistical confidence thresholds required to predict the impact of this variant on COL2A1 protein function. In summary, the available evidence is currently insufficient to determine the role of this variant in disease. Therefore, it has been classified as a Variant of Uncertain Significance.

Blueprint Genetics
Classification: Uncertain significance. Last evaluated: 2022-07-19. Review status: criteria provided, single submitter. Criteria: ACMG Guidelines, 2015. Collection method: clinical testing. Allele origin: germline.